The following is an entry in ClinVar:

ClinVar aggregate classification (germline): Uncertain significance. Review status: criteria provided, single submitter (1 of 4 stars). 2 submissions from 2 submitters: Uncertain significance (1). 1 of the submissions does not count toward it. Last evaluated 2021-08-26.

Conditions:
Nemaline myopathy 2 (NEM2). Also called: Nemaline myopathy 2, autosomal recessive. Identifiers: MedGen C1850569, MONDO:0009725, OMIM 256030.

Allele frequency attached by ClinVar (database versions not stated): TOPMed below 0.00001.

Submissions (2):

Labcorp Genetics (formerly Invitae), Labcorp
Classification: Uncertain significance for Nemaline myopathy 2. Last evaluated: 2021-08-26. Review status: criteria provided, single submitter. Criteria: Invitae Variant Classification Sherloc (09022015). Collection method: clinical testing. Allele origin: germline.
Comment: This sequence change replaces arginine with isoleucine at codon 797 of the NEB protein (p.Arg797Ile). The arginine residue is moderately conserved and there is a moderate physicochemical difference between arginine and isoleucine. This variant is not present in population databases (ExAC no frequency). This variant has not been reported in the literature in individuals affected with NEB-related conditions. Algorithms developed to predict the effect of missense changes on protein structure and function are either unavailable or do not agree on the potential impact of this missense change (SIFT: "Deleterious"; PolyPhen-2: "Not Available"; Align-GVGD: "Class C0"). In summary, the available evidence is currently insufficient to determine the role of this variant in disease. Therefore, it has been classified as a Variant of Uncertain Significance.

Natera, Inc.
Classification: Uncertain significance for Nemaline myopathy type 2. Last evaluated: 2025-01-23. Review status: no assertion criteria provided. Collection method: clinical testing. Allele origin: germline. Not counted in ClinVar's aggregate classification.

NM_001164508.2(NEB):c.2390G>T (p.Arg797Ile)

Gene: NEB (nebulin; minus strand). Cytogenetic location: 2q23.3.
Variant type: single nucleotide variant.
Coding change: c.2390G>T on transcript NM_001164508.2 (MANE Select); coding-DNA position 2390, G replaced by T.
Protein change: p.Arg797Ile; replaces arginine 797 with isoleucine.
Molecular consequence: missense variant.
Genome position (GRCh38, 1-based): chr2:151,688,317, C>A on the plus strand (G>T on the coding strand, the complement: NEB is on the minus strand). VCF-style: chr2-151688317-C-A. GRCh37 (hg19) VCF-style: chr2-152544831-C-A.
Other names: c.2390G>T, p.Arg797Ile (NM_001164507.2, NM_001271208.2, NM_004543.5); short protein forms R797I.
Identifiers: ClinVar variation 1951988 (VCV001951988.3), dbSNP rs764736178, ClinGen allele CA348823103.